The following is an entry in ClinVar:

ClinVar aggregate classification (germline): Uncertain significance (1 of 4 stars; one submission).

Submission:

Ambry Genetics
Classification: Uncertain significance. Last evaluated: 2023-02-27. Review status: criteria provided, single submitter. Criteria: Ambry Variant Classification Scheme 2023. Collection method: clinical testing. Allele origin: germline.
Comment: The p.A1351S variant (also known as c.4051G>T), located in coding exon 16 of the POLQ gene, results from a G to T substitution at nucleotide position 4051. The alanine at codon 1351 is replaced by serine, an amino acid with similar properties. This amino acid position is conserved. In addition, this alteration is predicted to be tolerated by in silico analysis. Since supporting evidence is limited at this time, the clinical significance of this alteration remains unclear.

NM_199420.4(POLQ):c.4051G>T (p.Ala1351Ser)

Gene: POLQ (DNA polymerase theta; minus strand). Cytogenetic location: 3q13.33.
Variant type: single nucleotide variant.
Coding change: c.4051G>T on transcript NM_199420.4 (MANE Select); coding-DNA position 4051, G replaced by T.
Protein change: p.Ala1351Ser; replaces alanine 1351 with serine.
Molecular consequence: missense variant.
Genome position (GRCh38, 1-based): chr3:121,488,880, C>A on the plus strand (G>T on the coding strand, the complement: POLQ is on the minus strand). VCF-style: chr3-121488880-C-A. GRCh37 (hg19) VCF-style: chr3-121207727-C-A.
Other names: short protein forms A1351S.
Identifiers: ClinVar variation 2449032 (VCV002449032.2), dbSNP rs2546786448, ClinGen allele CA354096349.
Genomic context (GRCh38, chr3:121,488,880, plus strand): 5'-ACTCCTTCTGAAAAGAGTTCATTGAGTTCTGTTGGACTAAGCTCTTCTGCATTATCCCTG[C>A]TGCCAGGTTGGTGTCCTTTGCTCCTAGTTTGGCATTTTCAGTTGCCATCTGTTGTATTAT-3'
Protein context (NP_955452.3, residues 1341-1361): KLGAKDTNLA[Ala1351Ser]GIMQKSLVQQ